The following is an entry in ClinVar:

NM_000243.3(MEFV):c.*743T>C

Gene: MEFV (MEFV innate immunity regulator, pyrin; minus strand). Cytogenetic location: 16p13.3.
Variant type: single nucleotide variant.
Coding change: c.*743T>C on transcript NM_000243.3 (MANE Select); 743 bases downstream of the stop codon, T replaced by C.
Molecular consequence: 3 prime UTR variant.
Genome position (GRCh38, 1-based): chr16:3,242,398, A>G on the plus strand (T>C on the coding strand, the complement: MEFV is on the minus strand). VCF-style: chr16-3242398-A-G. GRCh37 (hg19) VCF-style: chr16-3292398-A-G.
Other names: c.*1293T>C (NM_001198536.2).
Identifiers: ClinVar variation 319092 (VCV000319092.6), dbSNP rs170387, ClinGen allele CA10637676.

ClinVar aggregate classification (germline): Benign. Review status: criteria provided, multiple submitters, no conflicts (2 of 4 stars). 2 submissions from 2 submitters: Benign (2). Last evaluated 2018-01-12.

Conditions:
Familial Mediterranean fever (FMF). Also called: Periodic peritonitis; Benign paroxysmal peritonitis; POLYSEROSITIS, FAMILIAL PAROXYSMAL; POLYSEROSITIS, RECURRENT. Identifiers: Orphanet 342, MedGen C0031069, MONDO:0018088, OMIM 249100. Disease mechanism: gain of function.

Allele frequency attached by ClinVar (database versions not stated): 1000 Genomes Project 30x 0.69519; gnomAD exomes 0.50000; TOPMed 0.62696; 1000 Genomes Project 0.69429.
gnomAD v4.1: 91,183 of 144,492 alleles (63%); highest among the groups gnomAD compares: South Asian, 75%; 28,486 homozygotes.

Submissions (2):

Illumina Laboratory Services, Illumina
Classification: Benign for Familial Mediterranean fever. Last evaluated: 2018-01-12. Review status: criteria provided, single submitter. Criteria: ICSL Variant Classification Criteria 13 December 2019. Collection method: clinical testing. Allele origin: germline.
Comment: This variant was observed in the ICSL laboratory as part of a predisposition screen in an ostensibly healthy population. It had not been previously curated by ICSL or reported in the Human Gene Mutation Database (HGMD: prior to June 1st, 2018), and was therefore a candidate for classification through an automated scoring system. Utilizing variant allele frequency, disease prevalence and penetrance estimates, and inheritance mode, an automated score was calculated to assess if this variant is too frequent to cause the disease. Based on the score and internal cut-off values, a variant classified as benign is not then subjected to further curation. The score for this variant resulted in a classification of benign for this disease.

Breakthrough Genomics
Classification: Benign. Review status: criteria provided, single submitter. Criteria: ACMG Guidelines, 2015. Collection method: not provided. Allele origin: germline. Inheritance: Autosomal recessive inheritance. Affected: yes.